The following is an entry in ClinVar:

NM_003334.4(UBA1):c.499A>G (p.Thr167Ala)

Gene: UBA1 (ubiquitin like modifier activating enzyme 1; plus strand). Cytogenetic location: Xp11.3.
Variant type: single nucleotide variant.
Coding change: c.499A>G on transcript NM_003334.4 (MANE Select); coding-DNA position 499, A replaced by G.
Protein change: p.Thr167Ala; replaces threonine 167 with alanine.
Molecular consequence: missense variant.
Genome position (GRCh38, 1-based): chrX:47,200,912, A>G. VCF-style: chrX-47200912-A-G. GRCh37 (hg19) VCF-style: chrX-47060311-A-G.
Other names: c.499A>G, p.Thr167Ala (NM_153280.3); short protein forms T167A.
Identifiers: ClinVar variation 949877 (VCV000949877.10), dbSNP rs781828163, ClinGen allele CA10395703.

ClinVar aggregate classification (germline): Uncertain significance. Review status: criteria provided, multiple submitters, no conflicts (2 of 4 stars). 2 submissions from 2 submitters: Uncertain significance (2). Last evaluated 2021-08-02.

Conditions:
Infantile-onset X-linked spinal muscular atrophy. Also called: Spinal muscular atrophy, X-linked 2; SPINAL MUSCULAR ATROPHY, X-LINKED LETHAL INFANTILE; Spinal Muscular Atrophy, X-Linked Infantile; AMC, DISTAL, X-LINKED; ARTHROGRYPOSIS, X-LINKED, TYPE I. Identifiers: Orphanet 1145, MedGen C1844934, MONDO:0010532, OMIM 301830.
Inborn genetic diseases. Identifiers: MedGen C0950123, MeSH D030342.

Allele frequency attached by ClinVar (database versions not stated): gnomAD exomes 0.00001 and 0.00002; TOPMed 0.00001.
gnomAD v4.1: 14 of 1,195,374 alleles (0.0012%); highest among the groups gnomAD compares: East Asian, 0.042%; no homozygotes.

Submissions (2):

Ambry Genetics
Classification: Uncertain significance for Inborn genetic diseases. Last evaluated: 2021-08-02. Review status: criteria provided, single submitter. Criteria: Ambry Variant Classification Scheme 2023. Collection method: clinical testing. Allele origin: germline.

Labcorp Genetics (formerly Invitae), Labcorp
Classification: Uncertain significance for Infantile-onset X-linked spinal muscular atrophy. Last evaluated: 2019-06-28. Review status: criteria provided, single submitter. Criteria: Invitae Variant Classification Sherloc (09022015). Collection method: clinical testing. Allele origin: germline.
Comment: Algorithms developed to predict the effect of missense changes on protein structure and function output the following: SIFT: "Tolerated"; PolyPhen-2: "Benign"; Align-GVGD: "Class C0". The alanine amino acid residue is found in multiple mammalian species, suggesting that this missense change does not adversely affect protein function. These predictions have not been confirmed by published functional studies and their clinical significance is uncertain. This variant has not been reported in the literature in individuals with UBA1-related conditions. This variant is present in population databases (rs781828163, ExAC 0.09%), including at least one homozygous and/or hemizygous individual. This sequence change replaces threonine with alanine at codon 167 of the UBA1 protein (p.Thr167Ala). The threonine residue is weakly conserved and there is a small physicochemical difference between threonine and alanine. In summary, the available evidence is currently insufficient to determine the role of this variant in disease. Therefore, it has been classified as a Variant of Uncertain Significance.